The following is an entry in ClinVar:

NM_001009996.3(DALRD3):c.1251C>A (p.Tyr417Ter)

Gene: DALRD3 (DALR anticodon binding domain containing 3; minus strand). Cytogenetic location: 3p21.31.
Variant type: single nucleotide variant.
Coding change: c.1251C>A on transcript NM_001009996.3 (MANE Select); coding-DNA position 1251, C replaced by A.
Protein change: p.Tyr417Ter; replaces tyrosine 417 with a stop codon.
Molecular consequence: nonsense.
Genome position (GRCh38, 1-based): chr3:49,016,236, G>T on the plus strand (C>A on the coding strand, the complement: DALRD3 is on the minus strand). VCF-style: chr3-49016236-G-T. GRCh37 (hg19) VCF-style: chr3-49053669-G-T.
Other names: c.1251C>A, p.Tyr417Ter (NM_001276405.2); c.750C>A, p.Tyr250Ter (NM_018114.6); short protein forms Y417*, Y250*.
Identifiers: ClinVar variation 918077 (VCV000918077.9), dbSNP rs1163930676, ClinGen allele CA352710392.
Genomic context (GRCh38, chr3:49,016,236, plus strand): 5'-GAAGTCCAGACTGCTCACAGGAGGAAAAGTGGGGTACAGACCTTGTTCCATACTACACTT[G>T]TAACTCTCAAAGAGTGTGGCAAGACGGGCACAATTATACATGACAAAGGTGCCACTCTTT-3'

ClinVar aggregate classification (germline): Conflicting classifications of pathogenicity. Review status: criteria provided, conflicting classifications (1 of 4 stars). 4 submissions from 4 submitters: Pathogenic (1); Likely pathogenic (1); Uncertain significance (1). 1 of the submissions does not count toward it. Last evaluated 2024-03-29.

Conditions:
Developmental and epileptic encephalopathy, 86. Also called: EPILEPTIC ENCEPHALOPATHY, EARLY INFANTILE, 86. Identifiers: MedGen C5394462, MONDO:0030054, OMIM 618910.

gnomAD v4.1: 1 of 1,614,166 alleles (0.000062%); highest among the groups gnomAD compares: East Asian, 0.0022%; no homozygotes.

Submissions (4):

Genomic Medicine Center of Excellence, King Faisal Specialist Hospital and Research Centre
Classification: Likely pathogenic for Developmental and epileptic encephalopathy, 86. Last evaluated: 2024-03-29. Review status: criteria provided, single submitter. Criteria: ACMG Guidelines, 2015. Collection method: clinical testing. Allele origin: germline.

Revvity Omics, Revvity
Classification: Uncertain significance for Developmental and epileptic encephalopathy, 86. Last evaluated: 2022-06-03. Review status: criteria provided, single submitter. Criteria: ACMG Guidelines, 2015. Collection method: clinical testing. Allele origin: germline.

MGZ Medical Genetics Center
Classification: Pathogenic for Developmental and epileptic encephalopathy, 86. Last evaluated: 2022-05-09. Review status: criteria provided, single submitter. Criteria: ACMG Guidelines, 2015. Collection method: clinical testing. Allele origin: germline. Affected: yes. Observed: 1 variant allele.
Comment: ACMG criteria applied: PVS1, PS3_MOD, PM2_SUP, PM3_SUP, PP1

OMIM
Classification: Pathogenic for DEVELOPMENTAL AND EPILEPTIC ENCEPHALOPATHY 86. Last evaluated: 2025-07-03. Review status: no assertion criteria provided. Collection method: literature only. Allele origin: germline. Not counted in ClinVar's aggregate classification.

Literature cited by the submitters: PubMed 32427860 (cited by OMIM).